The following is an entry in ClinVar:

ClinVar aggregate classification (germline): Pathogenic (1 of 4 stars; one submission).

Conditions:
Familial adenomatous polyposis 1 (FAP1). Also called: FAMILIAL ADENOMATOUS POLYPOSIS 1, ATTENUATED; POLYPOSIS, ADENOMATOUS INTESTINAL. Identifiers: MedGen C2713442, MONDO:0021056, OMIM 175100. Disease mechanism: loss of function.

Submission:

Myriad Genetics, Inc.
Classification: Pathogenic for Familial adenomatous polyposis 1. Last evaluated: 2023-04-25. Review status: criteria provided, single submitter. Criteria: Myriad Autosomal Dominant, Autosomal Recessive and X-Linked Classification Criteria (2023). Collection method: clinical testing. Allele origin: unknown.
Comment: This variant is considered pathogenic. This variant creates a frameshift predicted to result in premature protein truncation.

NM_000038.6(APC):c.383del (p.Arg128fs)

Gene: APC (APC regulator of Wnt signaling pathway; plus strand). Cytogenetic location: 5q22.2.
Variant type: Deletion.
Coding change: c.383del on transcript NM_000038.6 (MANE Select); coding-DNA position 383, one base deleted (G; older notation c.383delG).
Protein change: p.Arg128fs; shifts the reading frame from arginine 128.
Molecular consequence: frameshift variant. On other transcripts: 5 prime UTR variant (4), non-coding transcript variant (2).
Genome position (GRCh38, 1-based): chr5:112,767,351, G deleted. VCF-style (leftmost placement, unchanged base first): chr5-112767350-AG-A. GRCh37 (hg19) VCF-style: chr5-112103047-AG-A.
Other names: c.206del, p.Arg69fs (NM_001354901.2, NM_001354905.2, NM_001407453.1 and 1 more transcripts); c.413del, p.Arg138fs (NM_001354902.2, NM_001407446.1, NM_001127511.3 and 1 more transcripts); c.383del, p.Arg128fs (NM_001354903.2, NM_001407447.1, NM_001407448.1 and 16 more transcripts); c.308del, p.Arg103fs (NM_001354904.2, NM_001407451.1, NM_001354898.2); c.-653del (NM_001354906.2, NM_001407470.1, NM_001407471.1 and 1 more transcripts); short protein forms R103fs, R128fs, R138fs, R69fs.
Identifiers: ClinVar variation 2584151 (VCV002584151.1), dbSNP rs2532300904, ClinGen allele CA2582341305.